The following is an entry in ClinVar:

ClinVar aggregate classification (germline): Uncertain significance. Review status: criteria provided, single submitter (1 of 4 stars). 2 submissions from 2 submitters: Uncertain significance (1). 1 of the submissions does not count toward it. Last evaluated 2023-09-19.

Conditions:
Harderoporphyria (HARPO). Identifiers: Orphanet 659672, MedGen C0342859, MONDO:0030048, OMIM 618892.

Allele frequency attached by ClinVar (database versions not stated): ExAC 0.00002; gnomAD 0.00002 and 0.00003; TOPMed 0.00002; gnomAD exomes 0.00003 and 0.00005; ESP Exome Variant Server 0.00015.

Submissions (2):

Labcorp Genetics (formerly Invitae), Labcorp
Classification: Uncertain significance. Last evaluated: 2023-09-19. Review status: criteria provided, single submitter. Criteria: Invitae Variant Classification Sherloc (09022015). Collection method: clinical testing. Allele origin: germline.
Comment: This sequence change falls in intron 6 of the CPOX gene. It does not directly change the encoded amino acid sequence of the CPOX protein. RNA analysis indicates that this variant induces altered splicing and likely results in a shortened protein product. This variant is present in population databases (rs370245685, gnomAD 0.005%). This variant has been observed in individual(s) with autosomal recessive harderoporphyria (PMID: 9454777). In at least one individual the data is consistent with being in trans (on the opposite chromosome) from a pathogenic variant. ClinVar contains an entry for this variant (Variation ID: 457). Variants that disrupt the consensus splice site are a relatively common cause of aberrant splicing (PMID: 17576681, 9536098). Studies have shown that this variant results in skipping of exon 6, but is expected to preserve the integrity of the reading-frame (PMID: 9454777). In summary, the available evidence is currently insufficient to determine the role of this variant in disease. Therefore, it has been classified as a Variant of Uncertain Significance.

OMIM
Classification: Pathogenic for HARDEROPORPHYRIA. Last evaluated: 1998-02-15. Review status: no assertion criteria provided. Collection method: literature only. Allele origin: germline. Not counted in ClinVar's aggregate classification.

Literature cited by the submitters: PubMed 9454777 (cited by Labcorp Genetics (formerly Invitae), Labcorp and OMIM); PubMed 17576681 (cited by Labcorp Genetics (formerly Invitae), Labcorp); PubMed 9536098 (cited by Labcorp Genetics (formerly Invitae), Labcorp).

NM_000097.7(CPOX):c.1277+3A>G

Gene: CPOX (coproporphyrinogen oxidase; minus strand). Cytogenetic location: 3q11.2.
Variant type: single nucleotide variant.
Coding change: c.1277+3A>G on transcript NM_000097.7 (MANE Select); 3 bases into the intron after coding-DNA position 1277, A replaced by G.
Molecular consequence: intron variant.
Genome position (GRCh38, 1-based): chr3:98,581,404, T>C on the plus strand (A>G on the coding strand, the complement: CPOX is on the minus strand). VCF-style: chr3-98581404-T-C. GRCh37 (hg19) VCF-style: chr3-98300248-T-C.
Other names: IVS6DS, A-G, +3; c.1277+3A>G (LRG_1077t1).
Identifiers: ClinVar variation 457 (VCV000000457.5), dbSNP rs370245685, ClinGen allele CA2511473.